The following is an entry in ClinVar:

ClinVar aggregate classification (germline): Uncertain significance (1 of 4 stars; one submission).

Conditions:
Long QT syndrome (LQTS). Identifiers: MedGen C0023976, MeSH D008133, MONDO:0002442. Disease mechanism: loss of function. Inheritance: Various modes of inheritance.

gnomAD v4.1: 1 of 1,325,416 alleles (0.000075%); highest among the groups gnomAD compares: Non-Finnish European, 0.000096%; no homozygotes.

Submission:

Labcorp Genetics (formerly Invitae), Labcorp
Classification: Uncertain significance for Long QT syndrome. Last evaluated: 2025-04-30. Review status: criteria provided, single submitter. Criteria: Invitae Variant Classification Sherloc (09022015). Collection method: clinical testing. Allele origin: germline.
Comment: This sequence change replaces alanine, which is neutral and non-polar, with threonine, which is neutral and polar, at codon 277 of the KCNH2 protein (p.Ala277Thr). This variant is not present in population databases (gnomAD no frequency). This variant has not been reported in the literature in individuals affected with KCNH2-related conditions. An algorithm developed to predict the effect of missense changes on protein structure and function (PolyPhen-2) suggests that this variant is likely to be tolerated. In summary, the available evidence is currently insufficient to determine the role of this variant in disease. Therefore, it has been classified as a Variant of Uncertain Significance.

NM_000238.4(KCNH2):c.829G>A (p.Ala277Thr)

Gene: KCNH2 (potassium voltage-gated channel subfamily H member 2; minus strand). Cytogenetic location: 7q36.1.
Variant type: single nucleotide variant.
Coding change: c.829G>A on transcript NM_000238.4 (MANE Select); coding-DNA position 829, G replaced by A.
Protein change: p.Ala277Thr; replaces alanine 277 with threonine.
Molecular consequence: missense variant. On other transcripts: non-coding transcript variant (1).
Genome position (GRCh38, 1-based): chr7:150,958,146, C>T on the plus strand (G>A on the coding strand, the complement: KCNH2 is on the minus strand). VCF-style: chr7-150958146-C-T. GRCh37 (hg19) VCF-style: chr7-150655234-C-T.
Other names: c.541G>A, p.Ala181Thr (NM_001406753.1, NM_001406756.1); c.652G>A, p.Ala218Thr (NM_001406755.1); c.529G>A, p.Ala177Thr (NM_001406757.1); c.829G>A, p.Ala277Thr (NM_172056.3); short protein forms A177T, A218T, A277T, A181T.
Identifiers: ClinVar variation 4711753 (VCV004711753.1).